The following is an entry in ClinVar:

NM_015100.4(POGZ):c.1557C>T (p.Leu519=)

Gene: POGZ (pogo transposable element derived with ZNF domain; minus strand). Cytogenetic location: 1q21.3.
Variant type: single nucleotide variant.
Coding change: c.1557C>T on transcript NM_015100.4 (MANE Select); coding-DNA position 1557, C replaced by T.
Protein change: p.Leu519=; no amino-acid change (leucine 519 retained).
Molecular consequence: synonymous variant.
Genome position (GRCh38, 1-based): chr1:151,423,518, G>A on the plus strand (C>T on the coding strand, the complement: POGZ is on the minus strand). VCF-style: chr1-151423518-G-A. GRCh37 (hg19) VCF-style: chr1-151395994-G-A.
Other names: c.1530C>T, p.Leu510= (NM_001194937.2); c.1371C>T, p.Leu457= (NM_001194938.2); c.1272C>T, p.Leu424= (NM_145796.4); c.1398C>T, p.Leu466= (NM_207171.2).
Identifiers: ClinVar variation 589497 (VCV000589497.13), dbSNP rs141026698, ClinGen allele CA1091402.

ClinVar aggregate classification (germline): Likely benign. Review status: criteria provided, multiple submitters, no conflicts (2 of 4 stars). 5 submissions from 5 submitters: Likely benign (4). 1 of the submissions does not count toward it. Last evaluated 2026-01-01.

Conditions:
POGZ-related disorder. Also called: POGZ-related condition.
Inborn genetic diseases. Identifiers: MedGen C0950123, MeSH D030342.
Intellectual disability-microcephaly-strabismus-behavioral abnormalities syndrome. Also called: White-Sutton Syndrome. Identifiers: Orphanet 468678, MedGen C4225351, MONDO:0014606, OMIM 616364.

Allele frequency attached by ClinVar (database versions not stated): gnomAD exomes 0.00006 and 0.00009; ExAC 0.00007; 1000 Genomes Project 30x 0.00016; gnomAD 0.00017 and 0.00018; 1000 Genomes Project 0.00020; TOPMed 0.00028; ESP Exome Variant Server 0.00031.
gnomAD v4.1: 159 of 1,613,766 alleles (0.0099%); highest among the groups gnomAD compares: Admixed American, 0.042%; no homozygotes.

Submissions (5):

CeGaT Center for Human Genetics Tuebingen
Classification: Likely benign. Last evaluated: 2026-01-01. Review status: criteria provided, single submitter. Criteria: CeGaT Center For Human Genetics Tuebingen Variant Classification Criteria Version 2. Collection method: clinical testing. Allele origin: germline. Affected: yes. Observed: 1 variant allele.
Comment: POGZ: BP4, BP7

Genome-Nilou Lab
Classification: Likely benign for Intellectual disability-microcephaly-strabismus-behavioral abnormalities syndrome. Last evaluated: 2023-04-11. Review status: criteria provided, single submitter. Criteria: ACMG Guidelines, 2015. Collection method: clinical testing. Allele origin: germline. Affected: no.

GeneDx
Classification: Likely benign. Last evaluated: 2020-10-26. Review status: criteria provided, single submitter. Criteria: GeneDx Variant Classification Process June 2021. Collection method: clinical testing. Allele origin: germline. Affected: yes.

Ambry Genetics
Classification: Likely benign for Inborn genetic diseases. Last evaluated: 2017-01-04. Review status: criteria provided, single submitter. Criteria: Ambry Variant Classification Scheme 2023. Collection method: clinical testing. Allele origin: germline.

PreventionGenetics, part of Exact Sciences
Classification: Likely benign for POGZ-related condition. Last evaluated: 2019-04-02. Review status: no assertion criteria provided. Collection method: clinical testing. Allele origin: germline. Not counted in ClinVar's aggregate classification.
Comment: This variant is classified as likely benign based on ACMG/AMP sequence variant interpretation guidelines (Richards et al. 2015 PMID: 25741868, with internal and published modifications).